The following is an entry in ClinVar:

ClinVar aggregate classification (germline): Benign/Likely benign. Review status: criteria provided, multiple submitters, no conflicts (2 of 4 stars). 3 submissions from 3 submitters: Benign (1); Likely benign (2). Last evaluated 2026-01-05.

Conditions:
Birt-Hogg-Dube syndrome 1 (BHD1). Also called: FIBROFOLLICULOMAS WITH TRICHODISCOMAS AND ACROCHORDONS. Identifiers: Orphanet 122, MedGen CN375946, MONDO:0800445, OMIM 135150.
Birt-Hogg-Dube syndrome. Also called: Birt Hogg Dubé syndrome. Identifiers: Orphanet 122, MedGen C0346010, MONDO:0800444.
Hereditary cancer-predisposing syndrome. Also called: Tumor predisposition; Hereditary neoplastic syndrome; Neoplastic Syndromes, Hereditary; Hereditary Cancer Syndrome. Identifiers: Orphanet 140162, MedGen C0027672, MeSH D009386, MONDO:0015356.

Allele frequency attached by ClinVar (database versions not stated): gnomAD exomes below 0.00001 and 0.00001; ExAC 0.00001; gnomAD 0.00001; TOPMed 0.00001.
gnomAD v4.1: 3 of 1,614,044 alleles (0.00019%); highest among the groups gnomAD compares: Admixed American, 0.0017%; no homozygotes.

Submissions (3):

Labcorp Genetics (formerly Invitae), Labcorp
Classification: Likely benign for Birt-Hogg-Dube syndrome. Last evaluated: 2026-01-05. Review status: criteria provided, single submitter. Criteria: Invitae Variant Classification Sherloc (09022015). Collection method: clinical testing. Allele origin: germline.

Myriad Genetics, Inc.
Classification: Benign for Birt-Hogg-Dube syndrome 1. Last evaluated: 2024-10-22. Review status: criteria provided, single submitter. Criteria: Myriad Autosomal Dominant, Autosomal Recessive and X-Linked Classification Criteria (2023). Collection method: clinical testing. Allele origin: unknown.
Comment: This variant is considered benign. This variant is a silent/synonymous amino acid change and it is not expected to impact splicing.

Ambry Genetics
Classification: Likely benign for Hereditary cancer-predisposing syndrome. Last evaluated: 2015-11-20. Review status: criteria provided, single submitter. Criteria: Ambry Variant Classification Scheme 2023. Collection method: clinical testing. Allele origin: germline.

NM_144997.7(FLCN):c.210G>A (p.Glu70=)

Gene: FLCN (folliculin; minus strand). Cytogenetic location: 17p11.2.
Variant type: single nucleotide variant.
Coding change: c.210G>A on transcript NM_144997.7 (MANE Select); coding-DNA position 210, G replaced by A.
Protein change: p.Glu70=; no amino-acid change (glutamic acid 70 retained).
Molecular consequence: synonymous variant.
Genome position (GRCh38, 1-based): chr17:17,227,928, C>T on the plus strand (G>A on the coding strand, the complement: FLCN is on the minus strand). VCF-style: chr17-17227928-C-T. GRCh37 (hg19) VCF-style: chr17-17131242-C-T.
Other names: c.210G>A, p.Glu70= (NM_001353229.2, NM_001353230.2, NM_001353231.2 and 1 more transcripts).
Identifiers: ClinVar variation 702882 (VCV000702882.12), dbSNP rs771202158, ClinGen allele CA8416494.